The following is an entry in ClinVar:

NM_020070.4(IGLL1):c.196C>G (p.Arg66Gly)

Gene: IGLL1 (immunoglobulin lambda like polypeptide 1; minus strand). Cytogenetic location: 22q11.23.
Variant type: single nucleotide variant.
Coding change: c.196C>G on transcript NM_020070.4 (MANE Select); coding-DNA position 196, C replaced by G.
Protein change: p.Arg66Gly; replaces arginine 66 with glycine.
Molecular consequence: missense variant.
Genome position (GRCh38, 1-based): chr22:23,579,995, G>C on the plus strand (C>G on the coding strand, the complement: IGLL1 is on the minus strand). VCF-style: chr22-23579995-G-C. GRCh37 (hg19) VCF-style: chr22-23922182-G-C.
Other names: c.196C>G, p.Arg66Gly (NM_001369906.1, NM_152855.3); short protein forms R66G.
Identifiers: ClinVar variation 2144183 (VCV002144183.4), dbSNP rs762686953, ClinGen allele CA410899301.

ClinVar aggregate classification (germline): Uncertain significance (1 of 4 stars; one submission).

Conditions:
Agammaglobulinemia 2, autosomal recessive (AGM2). Also called: AGAMMAGLOBULINEMIA, AUTOSOMAL RECESSIVE, DUE TO IGLL1 DEFECT. Identifiers: MedGen C3150750, MONDO:0013287, OMIM 613500.

Allele frequency attached by ClinVar (database versions not stated): gnomAD 0.00001.

Submission:

Labcorp Genetics (formerly Invitae), Labcorp
Classification: Uncertain significance for Agammaglobulinemia 2, autosomal recessive. Last evaluated: 2025-12-15. Review status: criteria provided, single submitter. Criteria: Invitae Variant Classification Sherloc (09022015). Collection method: clinical testing. Allele origin: germline.
Comment: This sequence change replaces arginine, which is basic and polar, with glycine, which is neutral and non-polar, at codon 66 of the IGLL1 protein (p.Arg66Gly). This variant is not present in population databases (gnomAD no frequency). This variant has not been reported in the literature in individuals affected with IGLL1-related conditions. ClinVar contains an entry for this variant (Variation ID: 2144183). An algorithm developed to predict the effect of missense changes on protein structure and function (PolyPhen-2) suggests that this variant is likely to be tolerated. Algorithms developed to predict the effect of sequence changes on RNA splicing suggest that this variant may disrupt the consensus splice site. In summary, the available evidence is currently insufficient to determine the role of this variant in disease. Therefore, it has been classified as a Variant of Uncertain Significance.